The following is an entry in ClinVar:

NM_001160372.4(TRAPPC9):c.248T>G (p.Ile83Ser)

Gene: TRAPPC9 (trafficking protein particle complex subunit 9; minus strand). Cytogenetic location: 8q24.3.
Variant type: single nucleotide variant.
Coding change: c.248T>G on transcript NM_001160372.4 (MANE Select); coding-DNA position 248, T replaced by G.
Protein change: p.Ile83Ser; replaces isoleucine 83 with serine.
Molecular consequence: missense variant. On other transcripts: non-coding transcript variant (1).
Genome position (GRCh38, 1-based): chr8:140,451,126, A>C on the plus strand (T>G on the coding strand, the complement: TRAPPC9 is on the minus strand). VCF-style: chr8-140451126-A-C. GRCh37 (hg19) VCF-style: chr8-141461225-A-C.
Other names: c.248T>G, p.Ile83Ser (NM_001321646.2, NM_001374682.1, NM_001374683.1 and 2 more transcripts); short protein forms I83S.
Identifiers: ClinVar variation 5008867 (VCV005008867.1).
Genomic context (GRCh38, chr8:140,451,126, plus strand): 5'-TTCTGCACGTGGAACTTCTCAAAGGTCTGTGGCCAGTCCTTGGCCGAGAAGCAGTCTGTG[A>C]TGGTGATGAGGCCCACGACTTTGCGGTGGGTCTGGAAGTCACCCCACTCGTTGTTCTCGG-3'
Protein context (NP_001153844.1, residues 73-93): THRKVVGLIT[Ile83Ser]TDCFSAKDWP

ClinVar aggregate classification (germline): Uncertain significance (1 of 4 stars; one submission).

Submission:

GeneDx
Classification: Uncertain significance. Last evaluated: 2026-03-11. Review status: criteria provided, single submitter. Criteria: GeneDx Variant Classification Process June 2021. Collection method: clinical testing. Allele origin: germline.
Comment: Not observed at significant frequency in large population cohorts (gnomAD); In silico analysis supports that this missense variant has a deleterious effect on protein structure/function; Has not been previously published as pathogenic or benign to our knowledge